The following is an entry in ClinVar:

NM_001009944.3(PKD1):c.10745dup (p.Val3584fs)

Genes: PKD1 (polycystin 1, transient receptor potential channel interacting; minus strand), PKD1-AS1 (PKD1 antisense RNA 1; plus strand). Cytogenetic location: 16p13.3.
Variant type: Duplication.
Coding change: c.10745dup on transcript NM_001009944.3 (MANE Select); coding-DNA position 10745, one base duplicated (C; older notation c.10745dupC).
Protein change: p.Val3584fs; shifts the reading frame from valine 3584.
Molecular consequence: frameshift variant.
Genome position (GRCh38, 1-based): chr16:2,093,887, G duplicated on the plus strand (C on the coding strand, the reverse complement: PKD1 is on the minus strand); the first of 6 consecutive G bases (chr16:2,093,887-2,093,892); duplicating any one gives the same sequence. VCF-style (leftmost placement, unchanged base first): chr16-2093886-C-CG. GRCh37 (hg19) VCF-style: chr16-2143887-C-CG.
Other names: c.10742dup (NM_000296.3); c.10745dup (NM_001009944.2); c.10745dupC (NM_001009944.3); c.10742dup, p.Val3583fs (NM_000296.4); c.10742dupC (NM_000296.4, NM_000296.3); short protein forms V3583fs, V3584fs.
Identifiers: ClinVar variation 521541 (VCV000521541.14), dbSNP rs1555447011, ClinGen allele CA620705424.

ClinVar aggregate classification (germline): Pathogenic. Review status: criteria provided, multiple submitters, no conflicts (2 of 4 stars). 10 submissions from 10 submitters: Pathogenic (10). Last evaluated 2025-05-01.

Conditions:
Inborn genetic diseases. Identifiers: MedGen C0950123, MeSH D030342.
Polycystic kidney disease, adult type (PKD1). Also called: POLYCYSTIC KIDNEY DISEASE, ADULT, TYPE I; Polycystic Kidney Disease 1, Autosomal Dominant; Polycystic kidney disease 1; Polycystic kidney disease 1, severe; Polycystic Kidney, Autosomal Dominant; POLYCYSTIC KIDNEY DISEASE 1 WITH OR WITHOUT POLYCYSTIC LIVER DISEASE. Identifiers: MedGen C3149841, MONDO:0008263, OMIM 173900.
PKD1-related disorder. Also called: PKD1-related condition.

Submissions (10):

Women's Health and Genetics/Laboratory Corporation of America, LabCorp
Classification: Pathogenic for Polycystic kidney disease, adult type. Last evaluated: 2025-05-01. Review status: criteria provided, single submitter. Criteria: LabCorp Variant Classification Summary - May 2015. Collection method: clinical testing. Allele origin: germline.
Comment: Variant summary: PKD1 c.10745dupC (p.Val3584ArgfsX43) results in a premature termination codon, predicted to cause a truncation of the encoded protein or absence of the protein due to nonsense mediated decay, which are commonly known mechanisms for disease. The frequency data for this variant in gnomAD is considered unreliable, as metrics indicate poor data quality at this position. c.10745dupC has been observed in individual(s) affected with Polycystic Kidney Disease 1 (e.g. Xu_2024). To our knowledge, no experimental evidence demonstrating an impact on protein function has been reported. The following publication has been ascertained in the context of this evaluation (PMID: 38527221). ClinVar contains an entry for this variant (Variation ID: 521541). Based on the evidence outlined above, the variant was classified as pathogenic.

Ambry Genetics
Classification: Pathogenic for Inborn genetic diseases. Last evaluated: 2023-12-26. Review status: criteria provided, single submitter. Criteria: Ambry Variant Classification Scheme 2023. Collection method: clinical testing. Allele origin: germline.
Comment: The c.10742dupC (p.V3583Rfs*43) alteration, located in coding exon 36 of the PKD1 gene, consists of a duplication of C at position 10742, causing a translational frameshift with a predicted alternate stop codon after 43 amino acids. This alteration is expected to result in loss of function by premature protein truncation or nonsense-mediated mRNA decay. This variant was not reported in population-based cohorts in the Genome Aggregation Database (gnomAD). This variant has been identified in multiple unrelated families with autosomal dominant polycystic kidney disease (Rossetti, 2012; Audr&eacute;zet, 2012; Tan, 2015; Kim, 2021). Of note, this variant is also referred to as c.10745dupC (p.Val3584ArgfsX43) in some literature. Based on the available evidence, this alteration is classified as pathogenic.

GeneDx
Classification: Pathogenic. Last evaluated: 2023-05-16. Review status: criteria provided, single submitter. Criteria: GeneDx Variant Classification Process June 2021. Collection method: clinical testing. Allele origin: germline. Affected: yes.
Comment: Frameshift variant predicted to result in protein truncation or nonsense mediated decay in a gene for which loss of function is a known mechanism of disease; Not observed at significant frequency in large population cohorts (gnomAD); This variant is associated with the following publications: (PMID: 33258288, 33532864, 22383692, 22508176, 24641620, 32816041)

MGZ Medical Genetics Center
Classification: Pathogenic for Polycystic kidney disease, adult type. Last evaluated: 2022-08-23. Review status: criteria provided, single submitter. Criteria: ACMG Guidelines, 2015. Collection method: clinical testing. Allele origin: germline. Affected: yes. Observed: 1 variant allele.
Comment: ACMG criteria applied: PVS1, PM6, PM2_SUP, PP4

Fulgent Genetics
Classification: Pathogenic for Polycystic kidney disease, adult type. Last evaluated: 2022-05-31. Review status: criteria provided, single submitter. Criteria: ACMG Guidelines, 2015. Collection method: clinical testing. Allele origin: unknown.

Blueprint Genetics
Classification: Pathogenic for PKD1-related disorders. Last evaluated: 2022-03-07. Review status: criteria provided, single submitter. Criteria: ACMG Guidelines, 2015. Collection method: clinical testing. Allele origin: germline. Affected: yes. Observed: 2 variant alleles.

Laboratory of Medical Genetics, National & Kapodistrian University of Athens
Classification: Pathogenic for Polycystic kidney disease, adult type. Last evaluated: 2021-10-05. Review status: criteria provided, single submitter. Criteria: ACMG Guidelines, 2015. Collection method: clinical testing. Allele origin: unknown. Affected: yes.
Comment: PVS1, PM2, PP3, PP5

Athena Diagnostics
Classification: Pathogenic. Last evaluated: 2021-09-21. Review status: criteria provided, single submitter. Criteria: Athena Diagnostics Criteria. Collection method: clinical testing. Allele origin: unknown.
Comment: This variant is expected to result in the loss of a functional protein. This variant has not been reported in large, multi-ethnic general populations.

Molecular Biology Laboratory, Fundació Puigvert
Classification: Pathogenic for Polycystic kidney disease, adult type. Last evaluated: 2020-02-01. Review status: criteria provided, single submitter. Criteria: ACMG Guidelines, 2015. Collection method: research. Allele origin: germline. Affected: yes. Study: KidneyPanel_2020.

Juno Genomics, Hangzhou Juno Genomics, Inc
Classification: Pathogenic for Polycystic kidney disease, adult type. Review status: criteria provided, single submitter. Criteria: ACMG Guidelines, 2015. Collection method: clinical testing. Allele origin: germline. Affected: yes.
Comment: Absent from controls (or at extremely low frequency if recessive) in Genome Aggregation Database, Exome Sequencing Project, 1000 Genomes Project, or Exome Aggregation Consortium.;Null variant in a gene where loss of function (LOF) is a known mechanism of disease.;The prevalence of the variant in affected individuals is significantly increased compared to the prevalence in controls.

Literature cited by the submitters: PubMed 38527221 (cited by Women's Health and Genetics/Laboratory Corporation of America, LabCorp); PubMed 22383692 (cited by Ambry Genetics and Athena Diagnostics); PubMed 22508176 (cited by Ambry Genetics); PubMed 24641620 (cited by Ambry Genetics and Athena Diagnostics); PubMed 32816041 (cited by Ambry Genetics); PubMed 33532864 (cited by Athena Diagnostics and Molecular Biology Laboratory, Fundació Puigvert).